The following is an entry in ClinVar:

ClinVar aggregate classification (germline): Pathogenic. Review status: criteria provided, multiple submitters, no conflicts (2 of 4 stars). 8 submissions from 8 submitters: Pathogenic (6). 2 of the submissions do not count toward it. Last evaluated 2026-01-05.

Conditions:
Methylmalonic aciduria due to complete methylmalonyl-CoA mutase deficiency.
Methylmalonic aciduria due to methylmalonyl-CoA mutase deficiency (MAMM). Also called: Methylmalonic aciduria, mut type. Identifiers: Orphanet 27, MedGen C1855114, MONDO:0009612, OMIM 251000.
Methylmalonic acidemia (MMA). Also called: Isolated Methylmalonic Acidemia. Identifiers: MedGen C0268583, MeSH C537358, MONDO:0002012, HP:0002912.

Allele frequency attached by ClinVar (database versions not stated): gnomAD exomes below 0.00001 and 0.00003; TOPMed below 0.00001; gnomAD 0.00001; ExAC 0.00003.
gnomAD v4.1: 9 of 1,613,930 alleles (0.00056%); highest among the groups gnomAD compares: East Asian, 0.013%; no homozygotes.

Submissions (8):

Labcorp Genetics (formerly Invitae), Labcorp
Classification: Pathogenic. Last evaluated: 2026-01-05. Review status: criteria provided, single submitter. Criteria: Invitae Variant Classification Sherloc (09022015). Collection method: clinical testing. Allele origin: germline.
Comment: This sequence change replaces glycine, which is neutral and non-polar, with aspartic acid, which is acidic and polar, at codon 427 of the MUT protein (p.Gly427Asp). This variant is present in population databases (rs753288303, gnomAD 0.04%). This missense change has been observed in individual(s) with autosomal recessive methylmalonic acidemia (PMID: 16281286, 25299208, 27233228). ClinVar contains an entry for this variant (Variation ID: 218990). Invitae Evidence Modeling of protein sequence and biophysical properties (such as structural, functional, and spatial information, amino acid conservation, physicochemical variation, residue mobility, and thermodynamic stability) indicates that this missense variant is expected to disrupt MUT protein function with a positive predictive value of 95%. For these reasons, this variant has been classified as Pathogenic.

Natera, Inc.
Classification: Pathogenic for Methylmalonic aciduria due to complete methylmalonyl-CoA mutase deficiency. Last evaluated: 2025-09-23. Review status: criteria provided, single submitter. Criteria: Natera Variant Classification Schema (03/2026). Collection method: clinical testing. Allele origin: germline.
Comment: The c.1280G>A variant in MMUT is a missense variant predicted to cause substitution of glycine to aspartic acid at amino acid 427. This variant is rare in the general population with a frequency below the threshold expected for the associated phenotype(s). This variant has been observed in one or more individuals affected with the associated recessive disease, as either homozygous or compound heterozygous with a second variant (PMID: 23430940). Computational prediction algorithms indicate this variant is likely to affect gene or protein function. Given the available evidence, this variant is classified as Pathogenic.

Fulgent Genetics
Classification: Pathogenic for Methylmalonic aciduria due to methylmalonyl-CoA mutase deficiency. Last evaluated: 2018-10-31. Review status: criteria provided, single submitter. Criteria: ACMG Guidelines, 2015. Collection method: clinical testing. Allele origin: unknown.

Women's Health and Genetics/Laboratory Corporation of America, LabCorp
Classification: Pathogenic for Methylmalonic acidemia. Last evaluated: 2017-02-09. Review status: criteria provided, single submitter. Criteria: LabCorp Variant Classification Summary - May 2015. Collection method: clinical testing. Allele origin: germline.
Comment: Variant summary: The MUT c.1280G>A (p.Gly427Asp) variant involves the alteration of a conserved nucleotide. 5/5 in silico tools predict a damaging outcome for this variant. This variant was found in 4/121440 control chromosomes at a frequency of 0.0000329, which does not exceed the estimated maximal expected allele frequency of a pathogenic MUT variant (0.0024152). This variant has been reported in multiple affected individuals as homozygote as well as compound heterozygotes. In addition, multiple clinical diagnostic laboratories/reputable databases classified this variant as pathogenic. Taken together, this variant is classified as pathogenic.

Eurofins Ntd Llc (ga)
Classification: Pathogenic. Last evaluated: 2015-09-08. Review status: criteria provided, single submitter. Criteria: EGL Classification Definitions 2015. Collection method: clinical testing. Allele origin: germline. Observed: 1 variant allele, 1 heterozygote.

Juno Genomics, Hangzhou Juno Genomics, Inc
Classification: Pathogenic for Methylmalonic aciduria due to methylmalonyl-CoA mutase deficiency. Review status: criteria provided, single submitter. Criteria: ACMG Guidelines, 2015. Collection method: clinical testing. Allele origin: germline.
Comment: Absent from controls (or at extremely low frequency if recessive) in Genome Aggregation Database.;Multiple lines of computational evidence support a deleterious effect on the gene or gene product.;For recessive disorders, detected in trans with a pathogenic variant.;Patient's phenotype or family history is highly specific for a disease with a single genetic etiology.

Counsyl
Classification: Pathogenic for Methylmalonic aciduria due to methylmalonyl-CoA mutase deficiency. Last evaluated: 2018-03-30. Review status: no assertion criteria provided. Collection method: clinical testing. Allele origin: unknown. Not counted in ClinVar's aggregate classification.

GeneReviews
No classification provided. Condition: Methylmalonic aciduria due to methylmalonyl-CoA mutase deficiency. Review status: no classification provided. Collection method: literature only. Allele origin: germline. Affected: yes. Not counted in ClinVar's aggregate classification.
Comment: mut0 enzymatic subtype

Literature cited by the submitters: PubMed 16281286 (cited by 3 submitters); PubMed 25299208 (cited by Labcorp Genetics (formerly Invitae), Labcorp and Women's Health and Genetics/Laboratory Corporation of America, LabCorp); PubMed 27233228 (cited by Labcorp Genetics (formerly Invitae), Labcorp); PubMed 23430940 (cited by 3 submitters); PubMed 25750861 (cited by Women's Health and Genetics/Laboratory Corporation of America, LabCorp); NCBI Bookshelf NBK1231 (cited by GeneReviews).

NM_000255.4(MMUT):c.1280G>A (p.Gly427Asp)

Gene: MMUT (methylmalonyl-CoA mutase; minus strand). Cytogenetic location: 6p12.3.
Variant type: single nucleotide variant.
Coding change: c.1280G>A on transcript NM_000255.4 (MANE Select); coding-DNA position 1280, G replaced by A.
Protein change: p.Gly427Asp; replaces glycine 427 with aspartic acid.
Molecular consequence: missense variant.
Genome position (GRCh38, 1-based): chr6:49,451,518, C>T on the plus strand (G>A on the coding strand, the complement: MMUT is on the minus strand). VCF-style: chr6-49451518-C-T. GRCh37 (hg19) VCF-style: chr6-49419231-C-T.
Other names: short protein forms G427D.
Identifiers: ClinVar variation 218990 (VCV000218990.20), dbSNP rs753288303, ClinGen allele CA347873.